The following is an entry in ClinVar:

ClinVar aggregate classification (germline): Pathogenic/Likely pathogenic. Review status: criteria provided, multiple submitters, no conflicts (2 of 4 stars). 3 submissions from 3 submitters: Pathogenic (1); Likely pathogenic (1). 1 of the submissions does not count toward it. Last evaluated 2023-03-02.

Conditions:
Early-infantile DEE. Also called: Ohtahara syndrome; Early infantile epileptic encephalopathy with suppression bursts; Early infantile epileptic encephalopathy. Identifiers: Orphanet 1934, MedGen C0393706, MONDO:0800491.
Developmental and epileptic encephalopathy, 24 (DEE24). Also called: Epileptic encephalopathy, early infantile, 24. Identifiers: Orphanet 442835, MedGen C4014531, MONDO:0014377, OMIM 615871.

Submissions (3):

Labcorp Genetics (formerly Invitae), Labcorp
Classification: Pathogenic for Early-infantile DEE. Last evaluated: 2023-03-02. Review status: criteria provided, single submitter. Criteria: Invitae Variant Classification Sherloc (09022015). Collection method: clinical testing. Allele origin: germline.
Comment: For these reasons, this variant has been classified as Pathogenic. Experimental studies have shown that this missense change affects HCN1 function (PMID: 24747641). This missense change has been observed in individual(s) with early infantile epileptic encephalopathy (PMID: 24747641). In at least one individual the variant was observed to be de novo. This sequence change replaces histidine, which is basic and polar, with tyrosine, which is neutral and polar, at codon 279 of the HCN1 protein (p.His279Tyr). This variant is not present in population databases (gnomAD no frequency). ClinVar contains an entry for this variant (Variation ID: 139575). Advanced modeling of protein sequence and biophysical properties (such as structural, functional, and spatial information, amino acid conservation, physicochemical variation, residue mobility, and thermodynamic stability) performed at Invitae indicates that this missense variant is expected to disrupt HCN1 protein function.

Provincial Medical Genetics Program of British Columbia, University of British Columbia
Classification: Likely pathogenic for Developmental and epileptic encephalopathy, 24. Last evaluated: 2022-01-01. Review status: criteria provided, single submitter. Criteria: ACMG Guidelines, 2015. Collection method: clinical testing. Allele origin: germline. Affected: yes.

OMIM
Classification: Pathogenic for DEVELOPMENTAL AND EPILEPTIC ENCEPHALOPATHY 24. Last evaluated: 2014-06-01. Review status: no assertion criteria provided. Collection method: literature only. Allele origin: germline. Not counted in ClinVar's aggregate classification.

Literature cited by the submitters: PubMed 24747641 (cited by Labcorp Genetics (formerly Invitae), Labcorp and OMIM).

NM_021072.4(HCN1):c.835C>T (p.His279Tyr)

Gene: HCN1 (hyperpolarization activated cyclic nucleotide gated potassium channel 1; minus strand). Cytogenetic location: 5p12.
Variant type: single nucleotide variant.
Coding change: c.835C>T on transcript NM_021072.4 (MANE Select); coding-DNA position 835, C replaced by T.
Protein change: p.His279Tyr; replaces histidine 279 with tyrosine.
Molecular consequence: missense variant.
Genome position (GRCh38, 1-based): chr5:45,645,199, G>A on the plus strand (C>T on the coding strand, the complement: HCN1 is on the minus strand). VCF-style: chr5-45645199-G-A. GRCh37 (hg19) VCF-style: chr5-45645301-G-A.
Other names: short protein forms H279Y.
Identifiers: ClinVar variation 139575 (VCV000139575.7), dbSNP rs587777495, ClinGen allele CA163275.